The following is an entry in ClinVar:

ClinVar aggregate classification (germline): Uncertain significance. Review status: criteria provided, multiple submitters, no conflicts (2 of 4 stars). 2 submissions from 2 submitters: Uncertain significance (2). Last evaluated 2024-10-21.

Conditions:
Short-rib thoracic dysplasia 8 with or without polydactyly (SRTD8). Also called: SHORT-RIB THORACIC DYSPLASIA 8 WITH POLYDACTYLY. Identifiers: Orphanet 93271, MedGen C3809691, MONDO:0014214, OMIM 615503.

Allele frequency attached by ClinVar (database versions not stated): gnomAD 0.00001; ExAC 0.00002; TOPMed 0.00002; 1000 Genomes Project 30x 0.00016; 1000 Genomes Project 0.00020.
gnomAD v4.1: 25 of 1,602,378 alleles (0.0016%); highest among the groups gnomAD compares: Middle Eastern, 0.15%; no homozygotes.

Submissions (2):

Labcorp Genetics (formerly Invitae), Labcorp
Classification: Uncertain significance for Short-rib thoracic dysplasia 8 with or without polydactyly. Last evaluated: 2024-10-21. Review status: criteria provided, single submitter. Criteria: Invitae Variant Classification Sherloc (09022015). Collection method: clinical testing. Allele origin: germline.
Comment: This sequence change replaces serine, which is neutral and polar, with leucine, which is neutral and non-polar, at codon 282 of the WDR60 protein (p.Ser282Leu). This variant is present in population databases (rs201289477, gnomAD 0.01%). This variant has not been reported in the literature in individuals affected with WDR60-related conditions. ClinVar contains an entry for this variant (Variation ID: 2140990). An algorithm developed to predict the effect of missense changes on protein structure and function outputs the following: PolyPhen-2: "Benign". The leucine amino acid residue is found in multiple mammalian species, which suggests that this missense change does not adversely affect protein function. In summary, the available evidence is currently insufficient to determine the role of this variant in disease. Therefore, it has been classified as a Variant of Uncertain Significance.

CeGaT Center for Human Genetics Tuebingen
Classification: Uncertain significance. Last evaluated: 2022-12-01. Review status: criteria provided, single submitter. Criteria: CeGaT Center For Human Genetics Tuebingen Variant Classification Criteria Version 2. Collection method: clinical testing. Allele origin: germline. Affected: yes. Observed: 1 variant allele.
Comment: DYNC2I1: PM2, BP4

NM_018051.5(DYNC2I1):c.845C>T (p.Ser282Leu)

Gene: DYNC2I1 (dynein 2 intermediate chain 1; plus strand). Cytogenetic location: 7q36.3.
Variant type: single nucleotide variant.
Coding change: c.845C>T on transcript NM_018051.5 (MANE Select); coding-DNA position 845, C replaced by T.
Protein change: p.Ser282Leu; replaces serine 282 with leucine.
Molecular consequence: missense variant. On other transcripts: 5 prime UTR variant (3).
Genome position (GRCh38, 1-based): chr7:158,879,955, C>T. VCF-style: chr7-158879955-C-T. GRCh37 (hg19) VCF-style: chr7-158672646-C-T.
Other names: c.707C>T, p.Ser236Leu (NM_001350914.2); c.328C>T, p.Arg110Trp (NM_001350915.2); c.-514C>T (NM_001350916.2); c.-522C>T (NM_001350917.2); c.-641C>T (NM_001350918.2); short protein forms S282L, R110W, S236L.
Identifiers: ClinVar variation 2140990 (VCV002140990.28), dbSNP rs201289477, ClinGen allele CA4594393.
Genomic context (GRCh38, chr7:158,879,955, plus strand): 5'-AAGAAGGTTTTCATTTTGATGATGAGAGGCACCAAAGCAACGTGGATAGAAAAGAGAAAT[C>T]GGCAAAAGATGAGCCCAGGAAAAGGGAATCCCAGGTACCCCTTCTGATGCTTCGTTGCCT-3'
Protein context (NP_060521.4, residues 272-292): HQSNVDRKEK[Ser282Leu]AKDEPRKRES